The following is an entry in ClinVar:

NM_002439.5(MSH3):c.2084+5G>A

Gene: MSH3 (mutS homolog 3; plus strand). Cytogenetic location: 5q14.1.
Variant type: single nucleotide variant.
Coding change: c.2084+5G>A on transcript NM_002439.5 (MANE Select); 5 bases into the intron after coding-DNA position 2084, G replaced by A.
Molecular consequence: intron variant.
Genome position (GRCh38, 1-based): chr5:80,768,125, G>A. VCF-style: chr5-80768125-G-A. GRCh37 (hg19) VCF-style: chr5-80063944-G-A.
Other names: c.2084+5G>A (NM_002439.3).
Identifiers: ClinVar variation 1697504 (VCV001697504.8), dbSNP rs1580034045, ClinGen allele CA2580073611.

ClinVar aggregate classification (germline): Uncertain significance. Review status: criteria provided, multiple submitters, no conflicts (2 of 4 stars). 2 submissions from 2 submitters: Uncertain significance (2). Last evaluated 2025-03-04.

Conditions:
Hereditary cancer-predisposing syndrome. Also called: Hereditary neoplastic syndrome; Tumor predisposition; Neoplastic Syndromes, Hereditary; Hereditary Cancer Syndrome. Identifiers: Orphanet 140162, MedGen C0027672, MeSH D009386, MONDO:0015356.

gnomAD v4.1: 3 of 1,612,496 alleles (0.00019%); highest among the groups gnomAD compares: South Asian, 0.0022%; no homozygotes.

Submissions (2):

Center for Genomic Medicine, Rigshospitalet, Copenhagen University Hospital
Classification: Uncertain significance. Last evaluated: 2025-03-04. Review status: criteria provided, single submitter. Criteria: ACMG Guidelines, 2015. Collection method: clinical testing. Allele origin: germline.

Ambry Genetics
Classification: Uncertain significance for Hereditary cancer-predisposing syndrome. Last evaluated: 2024-09-09. Review status: criteria provided, single submitter. Criteria: Ambry Variant Classification Scheme 2023. Collection method: clinical testing. Allele origin: germline.
Comment: The c.2084+5G>A intronic variant results from a G to A substitution 5 nucleotides after coding exon 14 in the MSH3 gene. This nucleotide position is highly conserved in available vertebrate species. In silico splice site analysis predicts that this alteration may weaken the native splice donor site and may result in the creation or strengthening of a novel splice donor site. Based on the available evidence, the clinical significance of this variant remains unclear.